The following is an entry in ClinVar:

ClinVar aggregate classification (germline): Conflicting classifications of pathogenicity. Review status: criteria provided, conflicting classifications (1 of 4 stars). 4 submissions from 4 submitters: Uncertain significance (1); Likely benign (3). Last evaluated 2025-12-30.

Conditions:
Kabuki syndrome. Also called: Kabuki make-up syndrome; NIIKAWA-KUROKI SYNDROME. Identifiers: Orphanet 2322, MedGen C0796004, MONDO:0016512.
KMT2D-related disorder. Also called: KMT2D-Related Disorders.

Allele frequency attached by ClinVar (database versions not stated): gnomAD exomes 0.00001; ExAC 0.00002; gnomAD 0.00007; ESP Exome Variant Server 0.00008; TOPMed 0.00012.
gnomAD v4.1: 27 of 1,550,924 alleles (0.0017%); highest among the groups gnomAD compares: African/African-American, 0.033%; no homozygotes.

Submissions (4):

Labcorp Genetics (formerly Invitae), Labcorp
Classification: Likely benign for Kabuki syndrome. Last evaluated: 2025-12-30. Review status: criteria provided, single submitter. Criteria: Invitae Variant Classification Sherloc (09022015). Collection method: clinical testing. Allele origin: germline.

PreventionGenetics, part of Exact Sciences
Classification: Likely benign for KMT2D-related condition. Last evaluated: 2025-09-09. Review status: criteria provided, single submitter. Criteria: ACMG Guidelines, 2015. Collection method: clinical testing. Allele origin: germline.
Comment: This variant is classified as likely benign based on ACMG/AMP sequence variant interpretation guidelines (Richards et al. 2015 PMID: 25741868, with internal and published modifications).

Genetic Services Laboratory, University of Chicago
Classification: Likely benign. Last evaluated: 2019-05-08. Review status: criteria provided, single submitter. Criteria: ACMG Guidelines, 2015. Collection method: clinical testing. Allele origin: germline. Affected: no.

Eurofins Ntd Llc (ga)
Classification: Uncertain significance. Last evaluated: 2018-04-03. Review status: criteria provided, single submitter. Criteria: EGL ClinVar v180209 classification definitions. Collection method: clinical testing. Allele origin: germline. Observed: 1 variant allele, 1 heterozygote.

NM_003482.4(KMT2D):c.2646G>A (p.Leu882=)

Gene: KMT2D (lysine methyltransferase 2D; minus strand). Cytogenetic location: 12q13.12.
Variant type: single nucleotide variant.
Coding change: c.2646G>A on transcript NM_003482.4 (MANE Select); coding-DNA position 2646, G replaced by A.
Protein change: p.Leu882=; no amino-acid change (leucine 882 retained).
Molecular consequence: synonymous variant.
Genome position (GRCh38, 1-based): chr12:49,051,037, C>T on the plus strand (G>A on the coding strand, the complement: KMT2D is on the minus strand). VCF-style: chr12-49051037-C-T. GRCh37 (hg19) VCF-style: chr12-49444820-C-T.
Identifiers: ClinVar variation 596577 (VCV000596577.17), dbSNP rs376227770, ClinGen allele CA6548217.